The following is an entry in ClinVar:

ClinVar aggregate classification (germline): Uncertain significance (1 of 4 stars; one submission).

Conditions:
Cardiomyopathy (CMYO). Also called: Cardiomyopathies. Identifiers: Orphanet 167848, MedGen C0878544, MONDO:0004994, HP:0001638. Inheritance: Various modes of inheritance.

Submission:

Color Diagnostics, LLC DBA Color Health
Classification: Uncertain significance for Cardiomyopathy. Last evaluated: 2023-12-04. Review status: criteria provided, single submitter. Criteria: ACMG Guidelines, 2015. Collection method: clinical testing. Allele origin: germline.
Comment: This missense variant replaces glutamine with lysine at codon 209 of the RYR2 protein. Computational prediction is inconclusive regarding the impact of this variant on protein structure and function (internally defined REVEL score threshold 0.5 < inconclusive < 0.7, PMID: 27666373). To our knowledge, functional studies have not been reported for this variant. This variant has not been reported in individuals affected with RYR2-related disorders in the literature. This variant has not been identified in the general population by the Genome Aggregation Database (gnomAD). The available evidence is insufficient to determine the role of this variant in disease conclusively. Therefore, this variant is classified as a Variant of Uncertain Significance.

NM_001035.3(RYR2):c.625C>A (p.Gln209Lys)

Gene: RYR2 (ryanodine receptor 2; plus strand). Cytogenetic location: 1q43.
Variant type: single nucleotide variant.
Coding change: c.625C>A on transcript NM_001035.3 (MANE Select); coding-DNA position 625, C replaced by A.
Protein change: p.Gln209Lys; replaces glutamine 209 with lysine.
Molecular consequence: missense variant.
Genome position (GRCh38, 1-based): chr1:237,387,329, C>A. VCF-style: chr1-237387329-C-A. GRCh37 (hg19) VCF-style: chr1-237550629-C-A.
Other names: short protein forms Q209K.
Identifiers: ClinVar variation 918642 (VCV000918642.4), dbSNP rs749414350, ClinGen allele CA345377340.